The following is an entry in ClinVar:

ClinVar aggregate classification (germline): Likely pathogenic (1 of 4 stars; one submission).

Conditions:
NSD1-related disorder. Also called: NSD1-related condition.

Submission:

PreventionGenetics, part of Exact Sciences
Classification: Likely pathogenic for NSD1-related condition. Last evaluated: 2026-04-05. Review status: criteria provided, single submitter. Criteria: ACMG Guidelines, 2015. Collection method: clinical testing. Allele origin: germline.
Comment: The NSD1 c.3143T>A variant is predicted to result in premature protein termination (p.Leu1048*). To our knowledge, this variant has not been reported in the literature or in a large population database (gnomAD), indicating this variant is rare. Nonsense variants in NSD1 are expected to be pathogenic. This variant is interpreted as likely pathogenic.

NM_022455.5(NSD1):c.3143T>A (p.Leu1048Ter)

Gene: NSD1 (nuclear receptor binding SET domain protein 1; plus strand). Cytogenetic location: 5q35.3.
Variant type: single nucleotide variant.
Coding change: c.3143T>A on transcript NM_022455.5 (MANE Select); coding-DNA position 3143, T replaced by A.
Protein change: p.Leu1048Ter; replaces leucine 1048 with a stop codon.
Molecular consequence: nonsense.
Genome position (GRCh38, 1-based): chr5:177,211,542, T>A. VCF-style: chr5-177211542-T-A. GRCh37 (hg19) VCF-style: chr5-176638543-T-A.
Other names: c.2270T>A, p.Leu757Ter (NM_001365684.2, NM_001409306.1, NM_001409307.1 and 3 more transcripts); c.3143T>A, p.Leu1048Ter (NM_001409301.1, NM_001409302.1, NM_001409303.1); c.2723T>A, p.Leu908Ter (NM_001409304.1); c.2390T>A, p.Leu797Ter (NM_001409305.1); short protein forms L797*, L908*, L757*, L1048*.
Identifiers: ClinVar variation 4991193 (VCV004991193.1).